The following is an entry in ClinVar:

ClinVar aggregate classification (germline): Uncertain significance (1 of 4 stars; one submission).

Conditions:
Autosomal dominant polycystic kidney disease. Identifiers: Orphanet 730, MedGen C0085413, MONDO:0004691.

gnomAD v4.1: 1 of 1,521,882 alleles (0.000066%); highest among the groups gnomAD compares: Non-Finnish European, 0.000088%; no homozygotes.

Submission:

Labcorp Genetics (formerly Invitae), Labcorp
Classification: Uncertain significance for Autosomal dominant polycystic kidney disease. Last evaluated: 2024-10-07. Review status: criteria provided, single submitter. Criteria: Invitae Variant Classification Sherloc (09022015). Collection method: clinical testing. Allele origin: germline.
Comment: This sequence change replaces glycine, which is neutral and non-polar, with valine, which is neutral and non-polar, at codon 109 of the PKD2 protein (p.Gly109Val). This variant is not present in population databases (gnomAD no frequency). This variant has not been reported in the literature in individuals affected with PKD2-related conditions. ClinVar contains an entry for this variant (Variation ID: 1380981). An algorithm developed to predict the effect of missense changes on protein structure and function (PolyPhen-2) suggests that this variant is likely to be disruptive. In summary, the available evidence is currently insufficient to determine the role of this variant in disease. Therefore, it has been classified as a Variant of Uncertain Significance.

NM_000297.4(PKD2):c.326G>T (p.Gly109Val)

Genes: PKD2 (polycystin 2, transient receptor potential cation channel; plus strand), LOC129992813 (ATAC-STARR-seq lymphoblastoid silent region 15559; plus strand). Cytogenetic location: 4q22.1.
Variant type: single nucleotide variant.
Coding change: c.326G>T on transcript NM_000297.4 (MANE Select); coding-DNA position 326, G replaced by T.
Protein change: p.Gly109Val; replaces glycine 109 with valine.
Molecular consequence: missense variant. On other transcripts: non-coding transcript variant (1).
Genome position (GRCh38, 1-based): chr4:88,008,059, G>T. VCF-style: chr4-88008059-G-T. GRCh37 (hg19) VCF-style: chr4-88929211-G-T.
Other names: short protein forms G109V.
Identifiers: ClinVar variation 1380981 (VCV001380981.6), dbSNP rs1726240802, ClinGen allele CA357626207.